The following is an entry in ClinVar:

ClinVar aggregate classification (germline): Uncertain significance (1 of 4 stars; one submission).

Conditions:
Marfan syndrome (MFS). Also called: MARFAN SYNDROME, TYPE I; Marfan syndrome type 1; Marfan's syndrome; Marfan syndrome, classic; FBN1-Related Marfan Syndrome. Identifiers: Orphanet 284963, Orphanet 558, MedGen C0024796, MONDO:0007947, OMIM 154700.
Familial thoracic aortic aneurysm and aortic dissection (TAAD). Also called: Thoracic aortic aneurysms and dissections. Identifiers: Orphanet 91387, MedGen C4707243, MONDO:0019625.

gnomAD v4.1: 1 of 1,613,522 alleles (0.000062%); highest among the groups gnomAD compares: Non-Finnish European, 0.000085%; no homozygotes.

Submission:

Labcorp Genetics (formerly Invitae), Labcorp
Classification: Uncertain significance for Marfan syndrome; Familial thoracic aortic aneurysm and aortic dissection. Last evaluated: 2024-12-12. Review status: criteria provided, single submitter. Criteria: Invitae Variant Classification Sherloc (09022015). Collection method: clinical testing. Allele origin: germline.
Comment: This sequence change replaces tyrosine, which is neutral and polar, with cysteine, which is neutral and slightly polar, at codon 2113 of the FBN1 protein (p.Tyr2113Cys). This variant is not present in population databases (gnomAD no frequency). This variant has not been reported in the literature in individuals affected with FBN1-related conditions. Invitae Evidence Modeling of protein sequence and biophysical properties (such as structural, functional, and spatial information, amino acid conservation, physicochemical variation, residue mobility, and thermodynamic stability) indicates that this missense variant is not expected to disrupt FBN1 protein function with a negative predictive value of 95%. In summary, the available evidence is currently insufficient to determine the role of this variant in disease. Therefore, it has been classified as a Variant of Uncertain Significance.

NM_000138.5(FBN1):c.6338A>G (p.Tyr2113Cys)

Gene: FBN1 (fibrillin 1; minus strand). Cytogenetic location: 15q21.1.
Variant type: single nucleotide variant.
Coding change: c.6338A>G on transcript NM_000138.5 (MANE Select); coding-DNA position 6338, A replaced by G.
Protein change: p.Tyr2113Cys; replaces tyrosine 2113 with cysteine.
Molecular consequence: missense variant.
Genome position (GRCh38, 1-based): chr15:48,437,363, T>C on the plus strand (A>G on the coding strand, the complement: FBN1 is on the minus strand). VCF-style: chr15-48437363-T-C. GRCh37 (hg19) VCF-style: chr15-48729560-T-C.
Other names: c.6338A>G, p.Tyr2113Cys (NM_001406716.1); short protein forms Y2113C.
Identifiers: ClinVar variation 3763132 (VCV003763132.2).